The following is an entry in ClinVar:

ClinVar aggregate classification (germline): Uncertain significance (1 of 4 stars; one submission).

Allele frequency attached by ClinVar (database versions not stated): 1000 Genomes Project 0.00020.

Submission:

Labcorp Genetics (formerly Invitae), Labcorp
Classification: Uncertain significance. Last evaluated: 2023-05-11. Review status: criteria provided, single submitter. Criteria: Invitae Variant Classification Sherloc (09022015). Collection method: clinical testing. Allele origin: germline.
Comment: In summary, the available evidence is currently insufficient to determine the role of this variant in disease. Therefore, it has been classified as a Variant of Uncertain Significance. Advanced modeling of protein sequence and biophysical properties (such as structural, functional, and spatial information, amino acid conservation, physicochemical variation, residue mobility, and thermodynamic stability) has been performed at Invitae for this missense variant, however the output from this modeling did not meet the statistical confidence thresholds required to predict the impact of this variant on DCHS1 protein function. This variant has not been reported in the literature in individuals affected with DCHS1-related conditions. This variant is not present in population databases (gnomAD no frequency). This sequence change replaces threonine, which is neutral and polar, with methionine, which is neutral and non-polar, at codon 1537 of the DCHS1 protein (p.Thr1537Met).

NM_003737.4(DCHS1):c.4610C>T (p.Thr1537Met)

Gene: DCHS1 (dachsous cadherin-related 1; minus strand). Cytogenetic location: 11p15.4.
Variant type: single nucleotide variant.
Coding change: c.4610C>T on transcript NM_003737.4 (MANE Select); coding-DNA position 4610, C replaced by T.
Protein change: p.Thr1537Met; replaces threonine 1537 with methionine.
Molecular consequence: missense variant.
Genome position (GRCh38, 1-based): chr11:6,630,184, G>A on the plus strand (C>T on the coding strand, the complement: DCHS1 is on the minus strand). VCF-style: chr11-6630184-G-A. GRCh37 (hg19) VCF-style: chr11-6651415-G-A.
Other names: short protein forms T1537M.
Identifiers: ClinVar variation 2862919 (VCV002862919.3), dbSNP rs566333464, ClinGen allele CA217298846.